The following is an entry in ClinVar:

NM_001243279.3(ACSF3):c.401_404dup (p.Glu135fs)

Gene: ACSF3 (acyl-CoA synthetase family member 3; plus strand). Cytogenetic location: 16q24.3.
Variant type: Duplication.
Coding change: c.401_404dup on transcript NM_001243279.3 (MANE Select); coding-DNA positions 401 to 404, 4 bases duplicated (TGGA; older notation c.401_404dupTGGA).
Protein change: p.Glu135fs; shifts the reading frame from glutamic acid 135.
Molecular consequence: frameshift variant. On other transcripts: non-coding transcript variant (3), intron variant (1).
Genome position (GRCh38, 1-based): chr16:89,101,082-89,101,085, TGGA duplicated. VCF-style (leftmost placement, unchanged base first): chr16-89101081-C-CTGGA. GRCh37 (hg19) VCF-style: chr16-89167489-C-CTGGA.
Other names: c.401_404dup, p.Glu135fs (NM_001127214.4, NM_174917.5); c.-129-1522_-129-1519dup (NM_001284316.2); short protein forms E135fs.
Identifiers: ClinVar variation 2130797 (VCV002130797.4), dbSNP rs2543522531, ClinGen allele CA2580092347.

ClinVar aggregate classification (germline): Pathogenic (1 of 4 stars; one submission).

Conditions:
Combined malonic and methylmalonic acidemia. Identifiers: Orphanet 289504, MedGen C3280314, MONDO:0013661, OMIM 614265.

Submission:

Labcorp Genetics (formerly Invitae), Labcorp
Classification: Pathogenic for Combined malonic and methylmalonic acidemia. Last evaluated: 2022-04-25. Review status: criteria provided, single submitter. Criteria: Invitae Variant Classification Sherloc (09022015). Collection method: clinical testing. Allele origin: germline.
Comment: For these reasons, this variant has been classified as Pathogenic. This variant has not been reported in the literature in individuals affected with ACSF3-related conditions. This variant is not present in population databases (gnomAD no frequency). This sequence change creates a premature translational stop signal (p.Glu135Aspfs*136) in the ACSF3 gene. It is expected to result in an absent or disrupted protein product. Loss-of-function variants in ACSF3 are known to be pathogenic (PMID: 21841779, 26827111).

Literature cited by the submitters: PubMed 21841779; PubMed 26827111.